The following is an entry in ClinVar:

NM_006371.5(CRTAP):c.728G>A (p.Cys243Tyr)

Gene: CRTAP (cartilage associated protein; plus strand). Cytogenetic location: 3p22.3.
Variant type: single nucleotide variant.
Coding change: c.728G>A on transcript NM_006371.5 (MANE Select); coding-DNA position 728, G replaced by A.
Protein change: p.Cys243Tyr; replaces cysteine 243 with tyrosine.
Molecular consequence: missense variant.
Genome position (GRCh38, 1-based): chr3:33,124,514, G>A. VCF-style: chr3-33124514-G-A. GRCh37 (hg19) VCF-style: chr3-33166006-G-A.
Other names: c.728G>A, p.Cys243Tyr (NM_001393363.1, NM_001393364.1); c.578G>A, p.Cys193Tyr (NM_001393365.1); short protein forms C193Y, C243Y.
Identifiers: ClinVar variation 1716777 (VCV001716777.4), dbSNP rs1337289860, ClinGen allele CA352009499.
Genomic context (GRCh38, chr3:33,124,514, plus strand): 5'-GAACATCCATCACAGACATGGAGCTGGCCCTTCCCGACTTCTTCAAAGCCTTTTACGAGT[G>A]TCTCGCAGCCTGCGAGGGTTCCAGGGAGATCAAGGACTTCAAGGATTTCTACCTTTCCAT-3'
Protein context (NP_006362.1, residues 233-253): LPDFFKAFYE[Cys243Tyr]LAACEGSREI

ClinVar aggregate classification (germline): Uncertain significance (1 of 4 stars; one submission).

Conditions:
Osteogenesis imperfecta type 7 (OI7). Also called: OSTEOGENESIS IMPERFECTA, TYPE IIB; Osteogenesis imperfecta type 2B; OI type 2B; Osteogenesis imperfecta, perinatal lethal autosomal recessive; OI type IIB; OI type 7. Identifiers: MedGen C1853162, MONDO:0012536, OMIM 610682.

gnomAD v4.1: 7 of 1,614,238 alleles (0.00043%); highest among the groups gnomAD compares: Non-Finnish European, 0.00051%; no homozygotes.

Submission:

Labcorp Genetics (formerly Invitae), Labcorp
Classification: Uncertain significance for Osteogenesis imperfecta type 7. Last evaluated: 2022-08-19. Review status: criteria provided, single submitter. Criteria: Invitae Variant Classification Sherloc (09022015). Collection method: clinical testing. Allele origin: germline.
Comment: This sequence change replaces cysteine, which is neutral and slightly polar, with tyrosine, which is neutral and polar, at codon 243 of the CRTAP protein (p.Cys243Tyr). This variant is not present in population databases (gnomAD no frequency). In summary, the available evidence is currently insufficient to determine the role of this variant in disease. Therefore, it has been classified as a Variant of Uncertain Significance. Algorithms developed to predict the effect of missense changes on protein structure and function (SIFT, PolyPhen-2, Align-GVGD) all suggest that this variant is likely to be disruptive. This variant has not been reported in the literature in individuals affected with CRTAP-related conditions.